The following is an entry in ClinVar:

ClinVar aggregate classification (germline): Benign (1 of 4 stars; one submission).

Conditions:
Peutz-Jeghers syndrome (PJS). Also called: POLYPOSIS, HAMARTOMATOUS INTESTINAL; POLYPS-AND-SPOTS SYNDROME; Peutz-Jeghers polyposis; Periorificial lentiginosis syndrome. Identifiers: Orphanet 2869, MedGen C0031269, MeSH D010580, MONDO:0008280, OMIM 175200.

Submission:

Myriad Genetics, Inc.
Classification: Benign for Peutz-Jeghers syndrome. Last evaluated: 2025-03-24. Review status: criteria provided, single submitter. Criteria: Myriad Autosomal Dominant, Autosomal Recessive and X-Linked Classification Criteria (2023). Collection method: clinical testing. Allele origin: unknown.
Comment: This variant is considered benign. This variant is intronic and is not expected to impact mRNA splicing.

NM_000455.5(STK11):c.-20dup

Gene: STK11 (serine/threonine kinase 11; plus strand). Cytogenetic location: 19p13.3.
Variant type: Duplication.
Coding change: c.-20dup on transcript NM_000455.5 (MANE Select); 20 bases upstream of the start codon, one base duplicated (T; older notation c.-20dupT).
Molecular consequence: 5 prime UTR variant. On other transcripts: non-coding transcript variant (1).
Genome position (GRCh38, 1-based): chr19:1,206,894, T duplicated. VCF-style (leftmost placement, unchanged base first): chr19-1206893-C-CT. GRCh37 (hg19) VCF-style: chr19-1206892-C-CT.
Other names: c.-20dup (NM_001407255.1).
Identifiers: ClinVar variation 3904204 (VCV003904204.1).
Genomic context (GRCh38, chr19:1,206,893, plus strand): 5'-AAGGGAAGTCGGAACACAAGGAAGGACCGCTCACCCGCGGACTCAGGGCTGGCGGCGGGA[C>CT]TCCAGGACCCTGGGTCCAGCATGGAGGTGGTGGACCCGCAGCAGCTGGGCATGTTCACGG-3'